The following is an entry in ClinVar:

ClinVar aggregate classification (germline): Conflicting classifications of pathogenicity. Review status: criteria provided, conflicting classifications (1 of 4 stars). 4 submissions from 4 submitters: Uncertain significance (3); Likely benign (1). Last evaluated 2025-09-20.

Conditions:
Hereditary cancer-predisposing syndrome. Also called: Neoplastic Syndromes, Hereditary; Hereditary Cancer Syndrome; Hereditary neoplastic syndrome; Tumor predisposition. Identifiers: Orphanet 140162, MedGen C0027672, MeSH D009386, MONDO:0015356.
Tuberous sclerosis 1 (TSC1). Identifiers: Orphanet 805, MedGen C1854465, MONDO:0008612, OMIM 191100.
Tuberous sclerosis syndrome (TSC). Also called: Tuberous sclerosis; Tuberous Sclerosis Complex. Identifiers: Orphanet 805, MedGen C0041341, MONDO:0001734.

Allele frequency attached by ClinVar (database versions not stated): gnomAD exomes below 0.00001 and 0.00001.
gnomAD v4.1: 15 of 1,614,084 alleles (0.00093%); highest among the groups gnomAD compares: Non-Finnish European, 0.0012%; no homozygotes.

Submissions (4):

Labcorp Genetics (formerly Invitae), Labcorp
Classification: Likely benign for Tuberous sclerosis 1. Last evaluated: 2025-09-20. Review status: criteria provided, single submitter. Criteria: Invitae Variant Classification Sherloc (09022015). Collection method: clinical testing. Allele origin: germline.

Ambry Genetics
Classification: Uncertain significance for Hereditary cancer-predisposing syndrome. Last evaluated: 2024-03-07. Review status: criteria provided, single submitter. Criteria: Ambry Variant Classification Scheme 2023. Collection method: clinical testing. Allele origin: germline.
Comment: The p.G132A variant (also known as c.395G>C), located in coding exon 4 of the TSC1 gene, results from a G to C substitution at nucleotide position 395. The glycine at codon 132 is replaced by alanine, an amino acid with similar properties. This amino acid position is highly conserved in available vertebrate species. In addition, this alteration is predicted to be deleterious by in silico analysis. Based on the available evidence, the clinical significance of this alteration remains unclear.

All of Us Research Program, National Institutes of Health
Classification: Uncertain significance for Tuberous sclerosis syndrome. Last evaluated: 2024-01-11. Review status: criteria provided, single submitter. Criteria: ACMG Guidelines, 2015. Collection method: clinical testing. Allele origin: germline. Inheritance: Autosomal dominant inheritance. Observed: 3 variant alleles, 3 heterozygotes.
Comment: This missense variant replaces glycine with alanine at codon 132 of the TSC1 protein. Computational prediction is inconclusive regarding the impact of this variant on protein structure and function (internally defined REVEL score threshold 0.5 < inconclusive < 0.7, PMID: 27666373). To our knowledge, functional studies have not been reported for this variant. This variant has not been reported in individuals affected with TSC1-related disorders in the literature. This variant has been identified in 1/251392 chromosomes in the general population by the Genome Aggregation Database (gnomAD). The available evidence is insufficient to determine the role of this variant in disease conclusively. Therefore, this variant is classified as a Variant of Uncertain Significance.

This study involves interpretation of variants in research participants for the purpose of population health screening. Participant phenotype was not available at the time of variant classification. Additional details can be found in publication PMID: 35346344, PMCID: PMC8962531

Genome-Nilou Lab
Classification: Uncertain significance for Tuberous sclerosis 1. Last evaluated: 2021-11-07. Review status: criteria provided, single submitter. Criteria: ACMG Guidelines, 2015. Collection method: clinical testing. Allele origin: germline. Affected: no.

NM_000368.5(TSC1):c.395G>C (p.Gly132Ala)

Gene: TSC1 (TSC complex subunit 1; minus strand). Cytogenetic location: 9q34.13.
Variant type: single nucleotide variant.
Coding change: c.395G>C on transcript NM_000368.5 (MANE Select); coding-DNA position 395, G replaced by C.
Protein change: p.Gly132Ala; replaces glycine 132 with alanine.
Molecular consequence: missense variant.
Genome position (GRCh38, 1-based): chr9:132,923,461, C>G on the plus strand (G>C on the coding strand, the complement: TSC1 is on the minus strand). VCF-style: chr9-132923461-C-G. GRCh37 (hg19) VCF-style: chr9-135798848-C-G.
Other names: c.395G>C, p.Gly132Ala (NM_001162426.2); c.242G>C, p.Gly81Ala (NM_001162427.2); c.32G>C, p.Gly11Ala (NM_001362177.2); short protein forms G81A, G11A, G132A.
Identifiers: ClinVar variation 640538 (VCV000640538.24), dbSNP rs397514784, ClinGen allele CA200901597.